The following is an entry in ClinVar:

ClinVar aggregate classification (germline): Uncertain significance (1 of 4 stars; one submission).

Conditions:
MELAS syndrome (MELAS). Also called: Juvenile myopathy, encephalopathy, lactic acidosis, stroke. Identifiers: Orphanet 550, MedGen C0162671, MONDO:0010789, OMIM 540000.

Submission:

Wong Mito Lab, Molecular and Human Genetics, Baylor College of Medicine
Classification: Uncertain significance for MELAS syndrome. Last evaluated: 2019-07-12. Review status: criteria provided, single submitter. Criteria: Modified ACMG Guidelines (Unpublished). Collection method: clinical testing. Allele origin: germline.
Comment: The NC_012920.1:m.5858T>C variant in MT-TY gene is interpreted to be a Unknown Significance variant based on the modified ACMG guidelines (unpublished). This variant meets the following evidence codes reported in the guidelines: PP3, PP7

Literature cited by the submitters: PubMed 31965079.

NC_012920.1(MT-TY):m.5858T>C

Gene: MT-TY (mitochondrially encoded tRNA tyrosine; minus strand).
Variant type: single nucleotide variant.
Genome position: chrM-5858-T-C.
Identifiers: ClinVar variation 690018 (VCV000690018.1), dbSNP rs1603220157, ClinGen allele CA913180686.